The following is an entry in ClinVar:

NM_033026.6(PCLO):c.6398C>A (p.Thr2133Asn)

Gene: PCLO (piccolo presynaptic cytomatrix protein; minus strand). Cytogenetic location: 7q21.11.
Variant type: single nucleotide variant.
Coding change: c.6398C>A on transcript NM_033026.6 (MANE Select); coding-DNA position 6398, C replaced by A.
Protein change: p.Thr2133Asn; replaces threonine 2133 with asparagine.
Molecular consequence: missense variant.
Genome position (GRCh38, 1-based): chr7:82,954,555, G>T on the plus strand (C>A on the coding strand, the complement: PCLO is on the minus strand). VCF-style: chr7-82954555-G-T. GRCh37 (hg19) VCF-style: chr7-82583871-G-T.
Other names: c.6398C>A (NM_033026.5); c.6398C>A, p.Thr2133Asn (NM_014510.3); short protein forms T2133N.
Identifiers: ClinVar variation 1496711 (VCV001496711.4), dbSNP rs765484551, ClinGen allele CA367919593.

ClinVar aggregate classification (germline): Uncertain significance. Review status: criteria provided, multiple submitters, no conflicts (2 of 4 stars). 2 submissions from 2 submitters: Uncertain significance (2). Last evaluated 2025-02-12.

Allele frequency attached by ClinVar (database versions not stated): TOPMed 0.00001; gnomAD exomes 0.00002.
gnomAD v4.1: 34 of 1,613,840 alleles (0.0021%); highest among the groups gnomAD compares: Non-Finnish European, 0.0028%; no homozygotes.

Submissions (2):

GeneDx
Classification: Uncertain significance. Last evaluated: 2025-02-12. Review status: criteria provided, single submitter. Criteria: GeneDx Variant Classification Process June 2021. Collection method: clinical testing. Allele origin: germline. Affected: yes.
Comment: Not observed at significant frequency in large population cohorts (gnomAD); In silico analysis supports that this missense variant has a deleterious effect on protein structure/function; Has not been previously published as pathogenic or benign to our knowledge; Variants in candidate genes are classified as variants of uncertain significance in accordance with ACMG guidelines (PMID: 25741868)

Labcorp Genetics (formerly Invitae), Labcorp
Classification: Uncertain significance. Last evaluated: 2022-07-23. Review status: criteria provided, single submitter. Criteria: Invitae Variant Classification Sherloc (09022015). Collection method: clinical testing. Allele origin: germline.
Comment: This sequence change replaces threonine, which is neutral and polar, with asparagine, which is neutral and polar, at codon 2133 of the PCLO protein (p.Thr2133Asn). This variant is not present in population databases (gnomAD no frequency). This variant has not been reported in the literature in individuals affected with PCLO-related conditions. ClinVar contains an entry for this variant (Variation ID: 1496711). Algorithms developed to predict the effect of missense changes on protein structure and function are either unavailable or do not agree on the potential impact of this missense change (SIFT: "Deleterious"; PolyPhen-2: "Not Available"; Align-GVGD: "Class C0"). In summary, the available evidence is currently insufficient to determine the role of this variant in disease. Therefore, it has been classified as a Variant of Uncertain Significance.